The following is an entry in ClinVar:

ClinVar aggregate classification (germline): Uncertain significance (1 of 4 stars; one submission).

Conditions:
Inborn genetic diseases. Identifiers: MedGen C0950123, MeSH D030342.

Submission:

Ambry Genetics
Classification: Uncertain significance for Inborn genetic diseases. Last evaluated: 2025-07-09. Review status: criteria provided, single submitter. Criteria: Ambry Variant Classification Scheme 2023. Collection method: clinical testing. Allele origin: germline.
Comment: The p.A846S variant (also known as c.2536G>T), located in coding exon 21 of the KDM1A gene, results from a G to T substitution at nucleotide position 2536. The alanine at codon 846 is replaced by serine, an amino acid with similar properties. This amino acid position is conserved. In addition, this alteration is predicted to be deleterious by in silico analysis. Based on the available evidence, the clinical significance of this variant remains unclear.

NM_001009999.3(KDM1A):c.2536G>T (p.Ala846Ser)

Gene: KDM1A (lysine demethylase 1A; plus strand). Cytogenetic location: 1p36.12.
Variant type: single nucleotide variant.
Coding change: c.2536G>T on transcript NM_001009999.3 (MANE Select); coding-DNA position 2536, G replaced by T.
Protein change: p.Ala846Ser; replaces alanine 846 with serine.
Molecular consequence: missense variant. On other transcripts: 3 prime UTR variant (1).
Genome position (GRCh38, 1-based): chr1:23,083,269, G>T. VCF-style: chr1-23083269-G-T. GRCh37 (hg19) VCF-style: chr1-23409762-G-T.
Other names: c.2482G>T, p.Ala828Ser (NM_001363654.2); c.2542G>T, p.Ala848Ser (NM_001410762.1); c.*784G>T (NM_001410763.1); c.2464G>T, p.Ala822Ser (NM_015013.4); short protein forms A828S, A846S, A822S, A848S.
Identifiers: ClinVar variation 4091049 (VCV004091049.1).